The following is an entry in ClinVar:

ClinVar aggregate classification (germline): Pathogenic (1 of 4 stars; one submission).

Conditions:
Beckwith-Wiedemann syndrome (BWS). Also called: Exomphalos macroglossia gigantism syndrome; EMG SYNDROME. Identifiers: Orphanet 116, MedGen C0004903, MONDO:0007534, OMIM 130650.

Submission:

Labcorp Genetics (formerly Invitae), Labcorp
Classification: Pathogenic for Beckwith-Wiedemann syndrome. Last evaluated: 2023-02-27. Review status: criteria provided, single submitter. Criteria: Invitae Variant Classification Sherloc (09022015). Collection method: clinical testing. Allele origin: germline.
Comment: This sequence change creates a premature translational stop signal (p.Gln232Argfs*40) in the CDKN1C gene. It is expected to result in an absent or disrupted protein product. Loss-of-function variants in CDKN1C are known to be pathogenic (PMID: 20503313). This variant is not present in population databases (gnomAD no frequency). This variant has not been reported in the literature in individuals affected with CDKN1C-related conditions. For these reasons, this variant has been classified as Pathogenic.

Literature cited by the submitters: PubMed 20503313.

NM_001122630.2(CDKN1C):c.662del (p.Gln221fs)

Gene: CDKN1C (cyclin dependent kinase inhibitor 1C; minus strand). Cytogenetic location: 11p15.4.
Variant type: Deletion.
Coding change: c.662del on transcript NM_001122630.2 (MANE Select); coding-DNA position 662, one base deleted (A; older notation c.662delA).
Protein change: p.Gln221fs; shifts the reading frame from glutamine 221.
Molecular consequence: frameshift variant. On other transcripts: intron variant (1).
Genome position (GRCh38, 1-based): chr11:2,884,795, T deleted on the plus strand (A on the coding strand, the reverse complement: CDKN1C is on the minus strand). VCF-style (leftmost placement, unchanged base first): chr11-2884794-CT-C. GRCh37 (hg19) VCF-style: chr11-2906024-CT-C.
Other names: c.695del, p.Gln232fs (NM_000076.2, NM_001362474.2); c.662del, p.Gln221fs (NM_001122631.2); c.255+407del (NM_001362475.2); short protein forms Q232fs, Q221fs.
Identifiers: ClinVar variation 2841238 (VCV002841238.3), dbSNP rs2494384538, ClinGen allele CA2739276081.